The following is an entry in ClinVar:

NM_001013703.4(EIF2AK4):c.257+301dup

Gene: EIF2AK4 (eukaryotic translation initiation factor 2 alpha kinase 4; plus strand). Cytogenetic location: 15q15.1.
Variant type: Duplication.
Coding change: c.257+301dup on transcript NM_001013703.4 (MANE Select); 301 bases into the intron after coding-DNA position 257, one base duplicated (A; older notation c.257+301dupA).
Molecular consequence: intron variant.
Genome position (GRCh38, 1-based): chr15:39,939,918, A duplicated; the last of 4 consecutive A bases (chr15:39,939,915-39,939,918); duplicating any one gives the same sequence. VCF-style (leftmost placement, unchanged base first): chr15-39939914-G-GA. GRCh37 (hg19) VCF-style: chr15-40232115-G-GA.
Identifiers: ClinVar variation 672385 (VCV000672385.1), dbSNP rs35994771, ClinGen allele CA268748205.

ClinVar aggregate classification (germline): Benign (1 of 4 stars; one submission).

Submission:

GeneDx
Classification: Benign. Last evaluated: 2018-06-14. Review status: criteria provided, single submitter. Criteria: GeneDx Variant Classification (06012015). Collection method: clinical testing. Allele origin: germline. Affected: yes.
Comment: This variant is considered likely benign or benign based on one or more of the following criteria: it is a conservative change, it occurs at a poorly conserved position in the protein, it is predicted to be benign by multiple in silico algorithms, and/or has population frequency not consistent with disease.